The following is an entry in ClinVar:

NM_001130969.3(NSMF):c.848_893del (p.Arg283fs)

Gene: NSMF (NMDA receptor synaptonuclear signaling and neuronal migration factor; minus strand). Cytogenetic location: 9q34.3.
Variant type: Deletion.
Coding change: c.848_893del on transcript NM_001130969.3 (MANE Select); coding-DNA positions 848 to 893, 46 bases deleted.
Protein change: p.Arg283fs; shifts the reading frame from arginine 283.
Molecular consequence: frameshift variant. On other transcripts: intron variant (1).
Genome position (GRCh38, 1-based): chr9:137,453,760-137,453,805, 46 bases deleted. GRCh37 (hg19): chr9:140,348,212-140,348,257.
Other names: c.779_824del, p.Arg260fs (NM_001130970.2); c.773_818del, p.Arg258fs (NM_001130971.2); c.842_887del, p.Arg281fs (NM_015537.5); c.832+586_833-580del (NM_001178064.2); c.842_887del46 (NM_015537.5); short protein forms R258fs, R260fs, R281fs, R283fs.
Identifiers: ClinVar variation 4535724 (VCV004535724.1).
Genomic context (GRCh38, chr9:137,453,759, plus strand): 5'-GGAAGGTGGGCGGGCCTGTGCGGGGCACCTACTGTCTCGGGAGTCGTGGGAAGTGTCGGC[TTTCATGGGGGTGGGGTCGCTCCAGGACCGGCTGAAGCTCCGCTCGC>T]GCCGCTCAGCGAACGCTGCAGAGAGCAAAACCCGCATTAGCGAGCGGGTGGGGCGGGGCC-3'

ClinVar aggregate classification (germline): Uncertain significance (1 of 4 stars; one submission).

Submission:

Women's Health and Genetics/Laboratory Corporation of America, LabCorp
Classification: Uncertain significance. Last evaluated: 2025-09-05. Review status: criteria provided, single submitter. Criteria: LabCorp Variant Classification Summary - May 2015. Collection method: clinical testing. Allele origin: germline.
Comment: Variant summary: NSMF c.842_887del46 (p.Arg281GlnfsX94) results in a premature termination codon, predicted to cause a truncation of the encoded protein or absence of the protein due to nonsense mediated decay, however current evidence is not sufficient to establish loss of function as a mechanism for disease. The variant was absent in 234126 control chromosomes. The available data on variant occurrences in the general population are insufficient to allow any conclusion about variant significance. To our knowledge, no occurrence of c.842_887del46 in individuals affected with NSMF-related conditions and no experimental evidence demonstrating its impact on protein function have been reported. No submitters have cited clinical-significance assessments for this variant to ClinVar. Based on the evidence outlined above, the variant was classified as uncertain significance.